The following is an entry in ClinVar:

ClinVar aggregate classification (germline): Likely pathogenic. Review status: criteria provided, single submitter (1 of 4 stars). 2 submissions from 1 submitter: Likely pathogenic (1). 1 of the submissions does not count toward it. Last evaluated 2026-03-27.

Conditions:
Intellectual developmental disorder with hypotonia and behavioral abnormalities. Identifiers: MedGen C5231489, MONDO:0032897, OMIM 618748.
NAD(P)HX dehydratase deficiency. Also called: Encephalopathy, progressive, early-onset, with brain edema and/or leukoencephalopathy, 2. Identifiers: Orphanet 555402, MedGen C5193026, MONDO:0034121, OMIM 618321.

Submissions (2):

Center for Human Genetics and Genomic Medicine, Uniklinik Rwth Aachen
Classification: Likely pathogenic for NAD(P)HX dehydratase deficiency. Last evaluated: 2026-03-27. Review status: criteria provided, single submitter. Criteria: ACMG Guidelines, 2015. Collection method: clinical testing. Allele origin: de novo. Affected: yes.

Center for Human Genetics and Genomic Medicine, Uniklinik Rwth Aachen
Classification: Likely pathogenic for Intellectual developmental disorder with hypotonia and behavioral abnormalities. Last evaluated: 2025-07-09. Review status: no assertion criteria provided. Collection method: clinical testing. Allele origin: de novo. Inheritance: Autosomal dominant inheritance. Affected: yes. Observed: 1 heterozygote. Not counted in ClinVar's aggregate classification.
Comment: The variant is not present in population databases, it is located in a mutational hot spot of the gene. PS2_mod, PM1, PM2_sup, PP2_sup, PP3_sup

NM_001260.3(CDK8):c.563C>G (p.Ala188Gly)

Gene: CDK8 (cyclin dependent kinase 8; plus strand). Cytogenetic location: 13q12.13.
Variant type: single nucleotide variant.
Coding change: c.563C>G on transcript NM_001260.3 (MANE Select); coding-DNA position 563, C replaced by G.
Protein change: p.Ala188Gly; replaces alanine 188 with glycine.
Molecular consequence: missense variant.
Genome position (GRCh38, 1-based): chr13:26,385,259, C>G. VCF-style: chr13-26385259-C-G. GRCh37 (hg19) VCF-style: chr13-26959396-C-G.
Other names: c.563C>G, p.Ala188Gly (NM_001318368.2); c.44C>G, p.Ala15Gly (NM_001346501.2); short protein forms A15G, A188G.
Identifiers: ClinVar variation 4057251 (VCV004057251.2).